The following is an entry in ClinVar:

NM_153700.2(STRC):c.3606del (p.Ile1203fs)

Gene: STRC (stereocilin; minus strand). Cytogenetic location: 15q15.3.
Variant type: Deletion.
Coding change: c.3606del on transcript NM_153700.2 (MANE Select); coding-DNA position 3606, one base deleted (G; older notation c.3606delG).
Protein change: p.Ile1203fs; shifts the reading frame from isoleucine 1203.
Molecular consequence: frameshift variant.
Genome position (GRCh38, 1-based): chr15:43,608,155, C deleted on the plus strand (G on the coding strand, the reverse complement: STRC is on the minus strand). VCF-style (leftmost placement, unchanged base first): chr15-43608154-TC-T. GRCh37 (hg19) VCF-style: chr15-43900352-TC-T.
Other names: c.3606delG (NM_153700.2); short protein forms I1203fs.
Identifiers: ClinVar variation 3075835 (VCV003075835.2), dbSNP rs1346499882, ClinGen allele CA618004217.

ClinVar aggregate classification (germline): Pathogenic/Likely pathogenic. Review status: criteria provided, multiple submitters, no conflicts (2 of 4 stars). 2 submissions from 2 submitters: Pathogenic (1); Likely pathogenic (1). Last evaluated 2025-08-26.

Conditions:
Rare genetic deafness. Identifiers: Orphanet 96210, MedGen C5680250.
STRC-related disorder. Also called: STRC-related condition.

Allele frequency attached by ClinVar (database versions not stated): gnomAD exomes 0.00001; gnomAD 0.00002; TOPMed 0.00002.

Submissions (2):

PreventionGenetics, part of Exact Sciences
Classification: Likely pathogenic for STRC-related condition. Last evaluated: 2025-08-26. Review status: criteria provided, single submitter. Criteria: ACMG Guidelines, 2015. Collection method: clinical testing. Allele origin: germline.
Comment: The STRC c.3606delG variant is predicted to result in a frameshift and premature protein termination (p.Ile1203Serfs*5). To our knowledge, this variant has not been reported in the literature. This variant is reported in 0.00092% of alleles in individuals of European (Non-Finnish) descent in gnomAD. Frameshift variants in STRC are expected to be pathogenic. This variant is interpreted as likely pathogenic.

Laboratory for Molecular Medicine, Mass General Brigham Personalized Medicine
Classification: Pathogenic for Rare genetic deafness. Last evaluated: 2022-01-10. Review status: criteria provided, single submitter. Criteria: ACMG Guidelines, 2015. Collection method: clinical testing. Allele origin: germline. Inheritance: Autosomal recessive inheritance.
Comment: It has also been identified in 0.0009211% (1/108560) of European chromosomes by gnomAD. This variant is predicted to cause a frameshift, which alters the protein’s amino acid sequence beginning at position 1203 and leads to a premature termination codon 5 amino acids downstream. This alteration is then predicted to lead to a truncated or absent protein. Loss of function of the STRC gene is an established disease mechanism in autosomal recessive hearing loss. In summary, this variant meets criteria to be classified as pathogenic for autosomal recessive hearing loss. ACMG/AMP Criteria applied: PVS1, PM3, PM2_Supporting.